The following is an entry in ClinVar:

NM_152381.6(XIRP2):c.1875C>G (p.Pro625=)

Gene: XIRP2 (xin actin binding repeat containing 2; plus strand). Cytogenetic location: 2q24.3.
Variant type: single nucleotide variant.
Coding change: c.1875C>G on transcript NM_152381.6 (MANE Select); coding-DNA position 1875, C replaced by G.
Protein change: p.Pro625=; no amino-acid change (proline 625 retained).
Molecular consequence: synonymous variant. On other transcripts: intron variant (3).
Genome position (GRCh38, 1-based): chr2:167,243,267, C>G. VCF-style: chr2-167243267-C-G. GRCh37 (hg19) VCF-style: chr2-168099777-C-G.
Other names: c.1209C>G, p.Pro403= (NM_001199144.2); c.1275+1357C>G (NM_001199143.2); c.1176+1357C>G (NM_001079810.4); c.510+1357C>G (NM_001199145.2).
Identifiers: ClinVar variation 3051006 (VCV003051006.2), dbSNP rs1262569347, ClinGen allele CA429980277.

ClinVar aggregate classification (germline): Likely benign (0 of 4 stars; one submission).

Conditions:
XIRP2-related disorder. Also called: XIRP2-related condition.

Allele frequency attached by ClinVar (database versions not stated): gnomAD exomes 0.00001; gnomAD 0.00002; TOPMed 0.00003.
gnomAD v4.1: 14 of 1,613,492 alleles (0.00087%); highest among the groups gnomAD compares: African/African-American, 0.0013%; no homozygotes.

Submission:

PreventionGenetics, part of Exact Sciences
Classification: Likely benign for XIRP2-related condition. Last evaluated: 2020-02-11. Review status: no assertion criteria provided. Collection method: clinical testing. Allele origin: germline.
Comment: This variant is classified as likely benign based on ACMG/AMP sequence variant interpretation guidelines (Richards et al. 2015 PMID: 25741868, with internal and published modifications).